The following is an entry in ClinVar:

ClinVar aggregate classification (germline): Uncertain significance. Review status: criteria provided, multiple submitters, no conflicts (2 of 4 stars). 3 submissions from 3 submitters: Uncertain significance (3). Last evaluated 2023-10-31.

Conditions:
Cardiovascular phenotype. Identifiers: MedGen CN230736.
RASopathy. Also called: rasopathies; Noonan spectrum disorder. Identifiers: Orphanet 536391, MedGen C5555857, MONDO:0021060.

Allele frequency attached by ClinVar (database versions not stated): gnomAD 0.00001.
gnomAD v4.1: 2 of 1,614,100 alleles (0.00012%); highest among the groups gnomAD compares: East Asian, 0.0022%; no homozygotes.

Submissions (3):

GeneDx
Classification: Uncertain significance. Last evaluated: 2023-10-31. Review status: criteria provided, single submitter. Criteria: GeneDx Variant Classification Process June 2021. Collection method: clinical testing. Allele origin: germline. Affected: yes.
Comment: Missense variants in this gene are a common cause of disease and they are underrepresented in the general population; In silico analysis supports that this missense variant has a deleterious effect on protein structure/function; Has not been previously published as pathogenic or benign to our knowledge; This variant is associated with the following publications: (PMID: 29493581)

Ambry Genetics
Classification: Uncertain significance for Cardiovascular phenotype. Last evaluated: 2023-04-22. Review status: criteria provided, single submitter. Criteria: Ambry Variant Classification Scheme 2023. Collection method: clinical testing. Allele origin: germline.
Comment: The p.S430R variant (also known as c.1290C>A), located in coding exon 11 of the PTPN11 gene, results from a C to A substitution at nucleotide position 1290. The serine at codon 430 is replaced by arginine, an amino acid with dissimilar properties. This amino acid position is conserved. In addition, this alteration is predicted to be tolerated by in silico analysis. Since supporting evidence is limited at this time, the clinical significance of this alteration remains unclear.

Labcorp Genetics (formerly Invitae), Labcorp
Classification: Uncertain significance for RASopathy. Last evaluated: 2021-11-09. Review status: criteria provided, single submitter. Criteria: Invitae Variant Classification Sherloc (09022015). Collection method: clinical testing. Allele origin: germline.
Comment: This variant is present in population databases (no rsID available, gnomAD 0.007%). In summary, the available evidence is currently insufficient to determine the role of this variant in disease. Therefore, it has been classified as a Variant of Uncertain Significance. Advanced modeling of protein sequence and biophysical properties (such as structural, functional, and spatial information, amino acid conservation, physicochemical variation, residue mobility, and thermodynamic stability) performed at Invitae indicates that this missense variant is not expected to disrupt PTPN11 protein function. This variant has not been reported in the literature in individuals affected with PTPN11-related conditions. This sequence change replaces serine, which is neutral and polar, with arginine, which is basic and polar, at codon 430 of the PTPN11 protein (p.Ser430Arg).

NM_002834.5(PTPN11):c.1290C>A (p.Ser430Arg)

Gene: PTPN11 (protein tyrosine phosphatase non-receptor type 11; plus strand). Cytogenetic location: 12q24.13.
Variant type: single nucleotide variant.
Coding change: c.1290C>A on transcript NM_002834.5 (MANE Select); coding-DNA position 1290, C replaced by A.
Protein change: p.Ser430Arg; replaces serine 430 with arginine.
Molecular consequence: missense variant.
Genome position (GRCh38, 1-based): chr12:112,486,540, C>A. VCF-style: chr12-112486540-C-A. GRCh37 (hg19) VCF-style: chr12-112924344-C-A.
Other names: c.1302C>A, p.Ser434Arg (NM_001330437.2); c.1287C>A, p.Ser429Arg (NM_001374625.1); c.1290C>A, p.Ser430Arg (NM_080601.3); c.1290C>A (NM_002834.3); short protein forms S430R, S429R, S434R.
Identifiers: ClinVar variation 1419337 (VCV001419337.8), dbSNP rs1178602062, ClinGen allele CA386777284.